The following is an entry in ClinVar:

ClinVar aggregate classification (germline): Uncertain significance (1 of 4 stars; one submission).

Conditions:
Inborn genetic diseases. Identifiers: MedGen C0950123, MeSH D030342.

gnomAD v4.1: 1 of 1,613,576 alleles (0.000062%); highest among the groups gnomAD compares: South Asian, 0.0011%; no homozygotes.

Submission:

Ambry Genetics
Classification: Uncertain significance for Inborn genetic diseases. Last evaluated: 2024-06-21. Review status: criteria provided, single submitter. Criteria: Ambry Variant Classification Scheme 2023. Collection method: clinical testing. Allele origin: germline.
Comment: The p.E1803D variant (also known as c.5409A>C), located in coding exon 37 of the LRRK2 gene, results from an A to C substitution at nucleotide position 5409. The glutamic acid at codon 1803 is replaced by aspartic acid, an amino acid with highly similar properties. This amino acid position is conserved. In addition, this alteration is predicted to be tolerated by in silico analysis. Based on the available evidence, the clinical significance of this variant remains unclear.

NM_198578.4(LRRK2):c.5409A>C (p.Glu1803Asp)

Gene: LRRK2 (leucine rich repeat kinase 2; plus strand). Cytogenetic location: 12q12.
Variant type: single nucleotide variant.
Coding change: c.5409A>C on transcript NM_198578.4 (MANE Select); coding-DNA position 5409, A replaced by C.
Protein change: p.Glu1803Asp; replaces glutamic acid 1803 with aspartic acid.
Molecular consequence: missense variant.
Genome position (GRCh38, 1-based): chr12:40,322,410, A>C. VCF-style: chr12-40322410-A-C. GRCh37 (hg19) VCF-style: chr12-40716212-A-C.
Other names: short protein forms E1803D.
Identifiers: ClinVar variation 3292077 (VCV003292077.1).